The following is an entry in ClinVar:

NM_006904.7(PRKDC):c.6032C>T (p.Ala2011Val)

Gene: PRKDC (protein kinase, DNA-activated, catalytic subunit; minus strand). Cytogenetic location: 8q11.21.
Variant type: single nucleotide variant.
Coding change: c.6032C>T on transcript NM_006904.7 (MANE Select); coding-DNA position 6032, C replaced by T.
Protein change: p.Ala2011Val; replaces alanine 2011 with valine.
Molecular consequence: missense variant.
Genome position (GRCh38, 1-based): chr8:47,860,925, G>A on the plus strand (C>T on the coding strand, the complement: PRKDC is on the minus strand). VCF-style: chr8-47860925-G-A. GRCh37 (hg19) VCF-style: chr8-48773486-G-A.
Other names: c.6032C>T, p.Ala2011Val (NM_001081640.2); short protein forms A2011V.
Identifiers: ClinVar variation 1751191 (VCV001751191.2), dbSNP rs2551870428, ClinGen allele CA371161508.
Genomic context (GRCh38, chr8:47,860,925, plus strand): 5'-TGAATCCTTTCTCATGATTTTGAAAACATCCTACCTGAATCCCCATTTGCTGCTTCTCTG[G>A]CTTCTTTCCTAATTTCAATGTACTTTTTCTTTCTTTCCATAGGAACCTATTGGGAAGAAC-3'
Protein context (NP_008835.5, residues 2001-2021): KKKYIEIRKE[Ala2011Val]REAANGDSDG

ClinVar aggregate classification (germline): Uncertain significance (1 of 4 stars; one submission).

Submission:

Ambry Genetics
Classification: Uncertain significance. Last evaluated: 2021-10-12. Review status: criteria provided, single submitter. Criteria: Ambry Variant Classification Scheme 2023. Collection method: clinical testing. Allele origin: germline.
Comment: The p.A2011V variant (also known as c.6032C>T), located in coding exon 45 of the PRKDC gene, results from a C to T substitution at nucleotide position 6032. The alanine at codon 2011 is replaced by valine, an amino acid with similar properties. This amino acid position is conserved. Since supporting evidence is limited at this time, the clinical significance of this alteration remains unclear.